The following is an entry in ClinVar:

ClinVar aggregate classification (germline): Pathogenic. Review status: reviewed by expert panel (3 of 4 stars). 9 submissions from 9 submitters: Pathogenic (1). 8 of the submissions do not count toward it. Last evaluated 2016-09-08.

Conditions:
Hereditary cancer-predisposing syndrome. Also called: Tumor predisposition; Hereditary Cancer Syndrome; Neoplastic Syndromes, Hereditary; Hereditary neoplastic syndrome. Identifiers: Orphanet 140162, MedGen C0027672, MeSH D009386, MONDO:0015356.
Hereditary breast ovarian cancer syndrome. Also called: Hereditary breast and ovarian cancer; Hereditary breast and/or ovarian cancer syndrome; BRCA1- and BRCA2-Associated Hereditary Breast and Ovarian Cancer; Hereditary breast and ovarian cancer syndrome; Hereditary breast and ovarian cancer syndrome (HBOC); Breast and ovarian cancer. Identifiers: Orphanet 145, MedGen C0677776, MeSH D061325, MONDO:0003582. Disease mechanism: loss of function.
Breast-ovarian cancer, familial, susceptibility to, 2 (BROVCA2). Also called: BRCA2 Hereditary Breast and Ovarian Cancer. Identifiers: Orphanet 145, MedGen C2675520, MONDO:0012933, OMIM 612555. Disease mechanism: loss of function.
Familial cancer of breast. Also called: BREAST CANCER, FAMILIAL; Hereditary breast cancer; hereditary breast carcinoma. Identifiers: Orphanet 227535, MedGen C0346153, MONDO:0016419, OMIM 114480. Disease mechanism: loss of function.

Submissions (9):

Evidence-based Network for the Interpretation of Germline Mutant Alleles (ENIGMA)
Classification: Pathogenic for Breast-ovarian cancer, familial, susceptibility to, 2. Last evaluated: 2016-09-08. Review status: reviewed by expert panel. Criteria: ENIGMA BRCA1/2 Classification Criteria (2015). Collection method: curation. Allele origin: germline.
Comment: Variant allele predicted to encode a truncated non-functional protein.

Labcorp Genetics (formerly Invitae), Labcorp
Classification: Pathogenic for Hereditary breast ovarian cancer syndrome. Last evaluated: 2025-10-25. Review status: criteria provided, single submitter. Criteria: Invitae Variant Classification Sherloc (09022015). Collection method: clinical testing. Allele origin: germline. Not counted in ClinVar's aggregate classification.
Comment: This sequence change creates a premature translational stop signal (p.Leu967Argfs*14) in the BRCA2 gene. It is expected to result in an absent or disrupted protein product. Loss-of-function variants in BRCA2 are known to be pathogenic (PMID: 20104584). This variant is not present in population databases (gnomAD no frequency). This premature translational stop signal has been observed in individual(s) with breast and/or ovarian cancer and Fanconi anemia (PMID: 21120943, 21548014, 24504028). This variant is also known as 966_966del. For these reasons, this variant has been classified as Pathogenic.

GeneKor MSA
Classification: Pathogenic for Hereditary breast ovarian cancer syndrome. Last evaluated: 2025-06-25. Review status: criteria provided, single submitter. Criteria: ACMG Guidelines, 2015. Collection method: clinical testing. Allele origin: germline. Not counted in ClinVar's aggregate classification.
Comment: This is a two-nucleotide deletion in exon 11 of the BRCA2 mRNA c.(2899_2900delCT), causing a frameshift after codon 967 and the creation of a premature translational stop signal 14 amino acid residues later p.(Leu967Argfs*14). This is expected to result in an absent or disrupted protein product. Truncating variants in the BRCA2 gene are known to be pathogenic (PMID:20104584). This variant is not present in population databases (rs80359361). This variant, also known as 966_966del in the literature, has been reported in individuals affected with breast and ovarian cancer and in an individual with Fanconi anemia (PMID:21120943, 21548014, 24504028). ClinVar contains entries for this variant where it is listed as Pathogenic (VCV000125998.23). For these reasons, this variant has been classified as pathogenic. Based on the classification criteria set by the ACMG and AMP (PMID:25741868) this variant has been classified as pathogenic.

Ambry Genetics
Classification: Pathogenic for Hereditary cancer-predisposing syndrome. Last evaluated: 2024-08-28. Review status: criteria provided, single submitter. Criteria: Ambry Variant Classification Scheme 2023. Collection method: clinical testing. Allele origin: germline. Not counted in ClinVar's aggregate classification.
Comment: The c.2899_2900delCT pathogenic mutation, located in coding exon 10 of the BRCA2 gene, results from a deletion of two nucleotides at nucleotide positions 2899 to 2900, causing a translational frameshift with a predicted alternate stop codon (p.L967Rfs*14). This alteration has been reported in an individual with Fanconi anemia, who carried another pathogenic BRCA2 alteration (Myers K et al. Pediatr Blood Cancer 2012; 58:462-5). In one case control study, this alteration was detected in 1/2222 individuals with invasive epithelial ovarian cancer and 0/1528 matched controls. This alteration was also identified in a large, worldwide study of BRCA1/2 mutation positive families (Rebbeck TR et al. Hum. Mutat., 2018 05;39:593-620). This variant is considered to be rare based on population cohorts in the Genome Aggregation Database (gnomAD). In addition to the clinical data presented in the literature, this alteration is expected to result in loss of function by premature protein truncation or nonsense-mediated mRNA decay. As such, this alteration is interpreted as a disease-causing mutation.

Baylor Genetics
Classification: Pathogenic for Familial cancer of breast. Last evaluated: 2022-08-10. Review status: criteria provided, single submitter. Criteria: ACMG Guidelines, 2015. Collection method: clinical testing. Allele origin: unknown. Not counted in ClinVar's aggregate classification.

Color Diagnostics, LLC DBA Color Health
Classification: Pathogenic for Hereditary cancer-predisposing syndrome. Last evaluated: 2020-01-15. Review status: criteria provided, single submitter. Criteria: ACMG Guidelines, 2015. Collection method: clinical testing. Allele origin: germline. Not counted in ClinVar's aggregate classification.
Comment: This variant deletes 2 nucleotides in exon 11 of the BRCA2 gene, creating a frameshift and premature translation stop signal. This variant is expected to result in an absent or non-functional protein product. This variant has not been identified in the general population by the Genome Aggregation Database (gnomAD). Loss of BRCA2 function is a known mechanism of disease. Based on the available evidence, this variant is classified as Pathogenic.

Women's Health and Genetics/Laboratory Corporation of America, LabCorp
Classification: Pathogenic for Hereditary breast and ovarian cancer syndrome. Last evaluated: 2019-08-30. Review status: criteria provided, single submitter. Criteria: LabCorp Variant Classification Summary - May 2015. Collection method: clinical testing. Allele origin: germline. Not counted in ClinVar's aggregate classification.
Comment: Variant summary: BRCA2 c.2899_2900delCT (p.Leu967ArgfsX14) results in a premature termination codon, predicted to cause a truncation of the encoded protein or absence of the protein due to nonsense mediated decay, which are commonly known mechanisms for disease. The variant was absent in 248436 control chromosomes (gnomAD). c.2899_2900delCT has been reported in the literature in multiple individuals affected with Breast and/or Ovarian Cancer (e.g. Caux-Moncoutier_2011, Cunningham_2014, Song_2014, Rebbeck_2018). The variant has also been reported in at least one individual with Fanconi anemia (Myers_2012, Degrolard-Courcet_2014). These data indicate that the variant is very likely to be associated with disease. To our knowledge, no experimental evidence demonstrating an impact on protein function has been reported. Four submitters, including one expert panel (ENIGMA) have provided clinical-significance assessments for this variant in ClinVar after 2014, and all of them classified the variant as pathogenic. Based on the evidence outlined above, the variant was classified as pathogenic.

Consortium of Investigators of Modifiers of BRCA1/2 (CIMBA), c/o University of Cambridge
Classification: Pathogenic for Breast-ovarian cancer, familial, susceptibility to, 2. Last evaluated: 2015-10-02. Review status: criteria provided, single submitter. Criteria: CIMBA Mutation Classification guidelines May 2016. Collection method: clinical testing. Allele origin: germline. Not counted in ClinVar's aggregate classification.

Breast Cancer Information Core (BIC) (BRCA2)
Classification: Pathogenic for Breast-ovarian cancer, familial 2. Last evaluated: 2002-05-29. Review status: no assertion criteria provided. Collection method: clinical testing. Allele origin: germline. Affected: yes. Observed: 1 variant allele. Not counted in ClinVar's aggregate classification.

Literature cited by the submitters: PubMed 20104584 (cited by Labcorp Genetics (formerly Invitae), Labcorp and GeneKor MSA); PubMed 21120943 (cited by 3 submitters); PubMed 21548014 (cited by 4 submitters); PubMed 24504028 (cited by 3 submitters); PubMed 24728189 (cited by Ambry Genetics and Women's Health and Genetics/Laboratory Corporation of America, LabCorp); PubMed 29446198 (cited by Ambry Genetics and Women's Health and Genetics/Laboratory Corporation of America, LabCorp); PubMed 31454914 (cited by Ambry Genetics); PubMed 24301060 (cited by Women's Health and Genetics/Laboratory Corporation of America, LabCorp).

NM_000059.4(BRCA2):c.2899_2900del (p.Leu967fs)

Gene: BRCA2 (BRCA2 DNA repair associated; plus strand). Cytogenetic location: 13q13.1.
Variant type: Microsatellite.
Coding change: c.2899_2900del on transcript NM_000059.4 (MANE Select); coding-DNA positions 2899 to 2900, 2 bases deleted (CT; older notation c.2899_2900delCT).
Protein change: p.Leu967fs; shifts the reading frame from leucine 967.
Molecular consequence: frameshift variant.
Genome position (GRCh38, 1-based): chr13:32,337,254-32,337,255, CT deleted; deleting any 2 consecutive bases within chr13:32,337,252-32,337,255 gives the same sequence; the c. name uses the placement nearest the transcript's 3' end. VCF-style (leftmost placement, unchanged base first): chr13-32337251-ACT-A. GRCh37 (hg19) VCF-style: chr13-32911388-ACT-A.
Other names: 3127delCT; c.2899_2900delCT (NM_000059.3); short protein forms L967fs.
Identifiers: ClinVar variation 125998 (VCV000125998.25), dbSNP rs80359361, ClinGen allele CA016707.